The following is an entry in ClinVar:

NM_015158.5(KANK1):c.3240A>G (p.Arg1080=)

Gene: KANK1 (KN motif and ankyrin repeat domains 1; plus strand). Cytogenetic location: 9p24.3.
Variant type: single nucleotide variant.
Coding change: c.3240A>G on transcript NM_015158.5 (MANE Select); coding-DNA position 3240, A replaced by G.
Protein change: p.Arg1080=; no amino-acid change (arginine 1080 retained).
Molecular consequence: synonymous variant. On other transcripts: intron variant (5).
Genome position (GRCh38, 1-based): chr9:732,612, A>G. VCF-style: chr9-732612-A-G. GRCh37 (hg19) VCF-style: chr9-732612-A-G.
Other names: c.3240A>G, p.Arg1080= (NM_001256876.3, NM_001256877.3, NM_001354334.2); c.3186A>G, p.Arg1062= (NM_001354332.2); c.2766A>G, p.Arg922= (NM_001354333.2, NM_001354335.2, NM_001354337.2 and 2 more transcripts); c.2712A>G, p.Arg904= (NM_001354338.2, NM_001354340.2, NM_001354344.2); c.3005+1346A>G (NM_001354331.2); c.2477+1346A>G (NM_001354336.2); c.2531+1346A>G (NM_001354339.2, NM_001354343.2, NM_001354342.2).
Identifiers: ClinVar variation 2054581 (VCV002054581.10), dbSNP rs374646290, ClinGen allele CA4960813.

ClinVar aggregate classification (germline): Benign/Likely benign. Review status: criteria provided, multiple submitters, no conflicts (2 of 4 stars). 2 submissions from 2 submitters: Benign (1); Likely benign (1). Last evaluated 2025-11-01.

Allele frequency attached by ClinVar (database versions not stated): TOPMed 0.00002; gnomAD 0.00019; 1000 Genomes Project 30x 0.00109; ExAC 0.00109; 1000 Genomes Project 0.00120.
gnomAD v4.1: 690 of 1,613,980 alleles (0.043%); highest among the groups gnomAD compares: South Asian, 0.73%; 13 homozygotes.

Submissions (2):

CeGaT Center for Human Genetics Tuebingen
Classification: Likely benign. Last evaluated: 2025-11-01. Review status: criteria provided, single submitter. Criteria: CeGaT Center For Human Genetics Tuebingen Variant Classification Criteria Version 2. Collection method: clinical testing. Allele origin: germline. Affected: yes. Observed: 1 variant allele.
Comment: KANK1: BS2

Labcorp Genetics (formerly Invitae), Labcorp
Classification: Benign. Last evaluated: 2025-10-15. Review status: criteria provided, single submitter. Criteria: Invitae Variant Classification Sherloc (09022015). Collection method: clinical testing. Allele origin: germline.